The following is an entry in ClinVar:

ClinVar aggregate classification (germline): Likely benign (1 of 4 stars; one submission).

Allele frequency attached by ClinVar (database versions not stated): 1000 Genomes Project 30x 0.00016; 1000 Genomes Project 0.00020; TOPMed 0.00113; gnomAD exomes 0.00144; gnomAD 0.00159.

Submission:

CeGaT Center for Human Genetics Tuebingen
Classification: Likely benign. Last evaluated: 2023-01-01. Review status: criteria provided, single submitter. Criteria: CeGaT Center For Human Genetics Tuebingen Variant Classification Criteria Version 2. Collection method: clinical testing. Allele origin: germline. Affected: yes. Observed: 1 variant allele.
Comment: CCND1: BS2

NM_053056.3(CCND1):c.*771C>T

Gene: CCND1 (cyclin D1; plus strand). Cytogenetic location: 11q13.3.
Variant type: single nucleotide variant.
Coding change: c.*771C>T on transcript NM_053056.3 (MANE Select); 771 bases downstream of the stop codon, C replaced by T.
Molecular consequence: 3 prime UTR variant.
Genome position (GRCh38, 1-based): chr11:69,652,053, C>T. VCF-style: chr11-69652053-C-T. GRCh37 (hg19) VCF-style: chr11-69466821-C-T.
Identifiers: ClinVar variation 2642049 (VCV002642049.24), dbSNP rs562366357, ClinGen allele CA223478043.
Genomic context (GRCh38, chr11:69,652,053, plus strand): 5'-GTGACCACCACCCCAACAAACCATCCAGTGACAAACCATCCAGTGGAGGTTTGTCGGGCA[C>T]CAGCCAGCGTAGCAGGGTCGGGAAAGGCCACCTGTCCCACTCCTACGATACGCTACTATA-3'